The following is an entry in ClinVar:

ClinVar aggregate classification (germline): Likely pathogenic (1 of 4 stars; one submission).

Conditions:
Hyper-IgM syndrome type 1. Also called: X-linked hyper-IgM syndrome; CD40 Ligand Deficiency; Hyper-IgM Immunodeficiency Syndrome, Type 1; Immunodeficiency, X-linked, with hyper-IgM. Identifiers: Orphanet 101088, MedGen C0398689, MONDO:0010626, OMIM 308230.

Submission:

Seattle Children's Hospital Molecular Genetics Laboratory, Seattle Children's Hospital
Classification: Likely pathogenic for Hyper-IgM syndrome type 1. Review status: criteria provided, single submitter. Criteria: ACMG Guidelines, 2015. Collection method: clinical testing. Allele origin: germline. Affected: yes.
Comment: The p.Thr147Pro variant is absent from large population studies (gnomAD v2.1.1), the ClinVar database, and the medical literature. The threonine at amino acid position 147 is highly conserved, and most in silico prediction tools suggest that the change to proline is damaging. While the p.Thr147Pro variant appears to be novel, a different missense variant at the same amino acid position has been reported before (p.Thr147Asn, ClinVar Variation ID: 381652; PMID: 20301576, PMID: 9746782, PMID: 34982304). The p.Thr147Asn variant is thought to compromise protein function by an inability to bind to CD40 (PMID: 9746782).

NM_000074.3(CD40LG):c.439A>C (p.Thr147Pro)

Gene: CD40LG (CD40 ligand; plus strand). Cytogenetic location: Xq26.3.
Variant type: single nucleotide variant.
Coding change: c.439A>C on transcript NM_000074.3 (MANE Select); coding-DNA position 439, A replaced by C.
Protein change: p.Thr147Pro; replaces threonine 147 with proline.
Molecular consequence: missense variant.
Genome position (GRCh38, 1-based): chrX:136,659,068, A>C. VCF-style: chrX-136659068-A-C. GRCh37 (hg19) VCF-style: chrX-135741227-A-C.
Other names: short protein forms T147P.
Identifiers: ClinVar variation 3340450 (VCV003340450.1).
Genomic context (GRCh38, chrX:136,659,068, plus strand): 5'-TCACCACAAACTTTCCCTTTCTTTGTAACAGTGTTACAGTGGGCTGAAAAAGGATACTAC[A>C]CCATGAGCAACAACTTGGTAACCCTGGAAAATGGGAAACAGCTGACCGTTAAAAGACAAG-3'
Protein context (NP_000065.1, residues 137-157): VLQWAEKGYY[Thr147Pro]MSNNLVTLEN